The following is an entry in ClinVar:

ClinVar aggregate classification (germline): Uncertain significance (1 of 4 stars; one submission).

Conditions:
Inborn genetic diseases. Identifiers: MedGen C0950123, MeSH D030342.

Submission:

Ambry Genetics
Classification: Uncertain significance for Inborn genetic diseases. Last evaluated: 2021-09-11. Review status: criteria provided, single submitter. Criteria: Ambry Variant Classification Scheme 2023. Collection method: clinical testing. Allele origin: germline.
Comment: The p.L1036M variant (also known as c.3106T>A), located in coding exon 20 of the PIK3CA gene, results from a T to A substitution at nucleotide position 3106. The leucine at codon 1036 is replaced by methionine, an amino acid with highly similar properties. This amino acid position is conserved. In addition, the in silico prediction for this alteration is inconclusive. Since supporting evidence is limited at this time, the clinical significance of this alteration remains unclear.

NM_006218.4(PIK3CA):c.3106T>A (p.Leu1036Met)

Gene: PIK3CA (phosphatidylinositol-4,5-bisphosphate 3-kinase catalytic subunit alpha; plus strand). Cytogenetic location: 3q26.32.
Variant type: single nucleotide variant.
Coding change: c.3106T>A on transcript NM_006218.4 (MANE Select); coding-DNA position 3106, T replaced by A.
Protein change: p.Leu1036Met; replaces leucine 1036 with methionine.
Molecular consequence: missense variant.
Genome position (GRCh38, 1-based): chr3:179,234,263, T>A. VCF-style: chr3-179234263-T-A. GRCh37 (hg19) VCF-style: chr3-178952051-T-A.
Other names: short protein forms L1036M.
Identifiers: ClinVar variation 1727691 (VCV001727691.2), dbSNP rs2108429740, ClinGen allele CA355285715.